The following is an entry in ClinVar:

NM_201548.5(CERKL):c.199_202dup (p.Leu68fs)

Genes: CERKL (CERK like autophagy regulator; minus strand), LOC129935214 (ATAC-STARR-seq lymphoblastoid silent region 12157; plus strand). Cytogenetic location: 2q31.3.
Variant type: Duplication.
Coding change: c.199_202dup on transcript NM_201548.5 (MANE Select); coding-DNA positions 199 to 202, 4 bases duplicated (GCAC; older notation c.199_202dupGCAC).
Protein change: p.Leu68fs; shifts the reading frame from leucine 68.
Molecular consequence: frameshift variant. On other transcripts: non-coding transcript variant (2).
Genome position (GRCh38, 1-based): chr2:181,656,805-181,656,808, GTGC duplicated on the plus strand (GCAC on the coding strand, the reverse complement: CERKL is on the minus strand). VCF-style (leftmost placement, unchanged base first): chr2-181656804-A-AGTGC. GRCh37 (hg19) VCF-style: chr2-182521531-A-AGTGC.
Other names: c.199_202dup, p.Leu68fs (NM_001030311.3, NM_001030312.3, NM_001030313.3 and 1 more transcripts); short protein forms L68fs.
Identifiers: ClinVar variation 859926 (VCV000859926.9), dbSNP rs772395938, ClinGen allele CA2010926.

ClinVar aggregate classification (germline): Pathogenic (1 of 4 stars; one submission).

Allele frequency attached by ClinVar (database versions not stated): gnomAD exomes below 0.00001; ExAC 0.00001.

Submission:

Labcorp Genetics (formerly Invitae), Labcorp
Classification: Pathogenic. Last evaluated: 2023-07-17. Review status: criteria provided, single submitter. Criteria: Invitae Variant Classification Sherloc (09022015). Collection method: clinical testing. Allele origin: germline.
Comment: This sequence change creates a premature translational stop signal (p.Leu68Argfs*15) in the CERKL gene. It is expected to result in an absent or disrupted protein product. Loss-of-function variants in CERKL are known to be pathogenic (PMID: 14681825, 23591405, 24043777). This variant is present in population databases (rs772395938, gnomAD 0.001%). This variant has not been reported in the literature in individuals affected with CERKL-related conditions. ClinVar contains an entry for this variant (Variation ID: 859926). For these reasons, this variant has been classified as Pathogenic.

Literature cited by the submitters: PubMed 14681825; PubMed 23591405; PubMed 24043777.